The following is an entry in ClinVar:

ClinVar aggregate classification (germline): Uncertain significance. Review status: criteria provided, multiple submitters, no conflicts (2 of 4 stars). 2 submissions from 2 submitters: Uncertain significance (2). Last evaluated 2022-01-24.

Conditions:
Propionic acidemia (PROP). Also called: GLYCINEMIA, KETOTIC; HYPERGLYCINEMIA WITH KETOACIDOSIS AND LEUKOPENIA; KETOTIC HYPERGLYCINEMIA. Identifiers: Orphanet 35, MedGen C0268579, MONDO:0011628, OMIM 606054, HP:0003571.

Allele frequency attached by ClinVar (database versions not stated): gnomAD 0.00001.
gnomAD v4.1: 10 of 1,607,816 alleles (0.00062%); highest among the groups gnomAD compares: Admixed American, 0.0067%; no homozygotes.

Submissions (2):

Labcorp Genetics (formerly Invitae), Labcorp
Classification: Uncertain significance for Propionic acidemia. Last evaluated: 2022-01-24. Review status: criteria provided, single submitter. Criteria: Invitae Variant Classification Sherloc (09022015). Collection method: clinical testing. Allele origin: germline.
Comment: This sequence change replaces valine, which is neutral and non-polar, with leucine, which is neutral and non-polar, at codon 139 of the PCCA protein (p.Val139Leu). This variant is present in population databases (no rsID available, gnomAD 0.009%). This variant has not been reported in the literature in individuals affected with PCCA-related conditions. Algorithms developed to predict the effect of missense changes on protein structure and function are either unavailable or do not agree on the potential impact of this missense change (SIFT: "Deleterious"; PolyPhen-2: "Benign"; Align-GVGD: "Class C0"). Algorithms developed to predict the effect of sequence changes on RNA splicing suggest that this variant may disrupt the consensus splice site. In summary, the available evidence is currently insufficient to determine the role of this variant in disease. Therefore, it has been classified as a Variant of Uncertain Significance.

Blueprint Genetics
Classification: Uncertain significance. Last evaluated: 2021-07-06. Review status: criteria provided, single submitter. Criteria: ACMG Guidelines, 2015. Collection method: clinical testing. Allele origin: germline.

NM_000282.4(PCCA):c.415G>T (p.Val139Leu)

Gene: PCCA (propionyl-CoA carboxylase subunit alpha; plus strand). Cytogenetic location: 13q32.3.
Variant type: single nucleotide variant.
Coding change: c.415G>T on transcript NM_000282.4 (MANE Select); coding-DNA position 415, G replaced by T.
Protein change: p.Val139Leu; replaces valine 139 with leucine.
Molecular consequence: missense variant. On other transcripts: 5 prime UTR variant (3), non-coding transcript variant (5).
Genome position (GRCh38, 1-based): chr13:100,157,287, G>T. VCF-style: chr13-100157287-G-T. GRCh37 (hg19) VCF-style: chr13-100809541-G-T.
Other names: c.337G>T, p.Val113Leu (NM_001127692.3, NM_001352607.2, NM_001352608.2); c.415G>T, p.Val139Leu (NM_001178004.2, NM_001352605.2, NM_001352606.2 and 1 more transcripts); c.-452G>T (NM_001352610.2, NM_001352611.2, NM_001352612.2); short protein forms V113L, V139L.
Identifiers: ClinVar variation 2144504 (VCV002144504.2), dbSNP rs770129876, ClinGen allele CA388693812.
Genomic context (GRCh38, chr13:100,157,287, plus strand): 5'-TGCTTATAAAGCTTTTGCAATATGATAAAATTGAAAGTGCTTTTTGCTTTCATTTCTAAG[G>T]TACATCCAGGTTATGGATTCCTTTCAGAAAACAAAGAATTTGCCAGATGTTTGGTAAGTT-3'
Protein context (NP_000273.2, residues 129-149): EAIKKTRAQA[Val139Leu]HPGYGFLSEN